The following is an entry in ClinVar:

ClinVar aggregate classification (germline): Benign/Likely benign. Review status: criteria provided, multiple submitters, no conflicts (2 of 4 stars). 9 submissions from 9 submitters: Benign (4); Likely benign (4). 1 of the submissions does not count toward it. Last evaluated 2026-09-01.

Conditions:
KMT2D-related disorder. Also called: KMT2D-Related Disorders.
Kabuki syndrome. Also called: NIIKAWA-KUROKI SYNDROME; Kabuki make-up syndrome. Identifiers: Orphanet 2322, MedGen C0796004, MONDO:0016512.

Allele frequency attached by ClinVar (database versions not stated): gnomAD 0.00121 and 0.00124; gnomAD exomes 0.00132; TOPMed 0.00141; ESP Exome Variant Server 0.00142; 1000 Genomes Project 0.00180; ExAC 0.00183; 1000 Genomes Project 30x 0.00203.
gnomAD v4.1: 2,871 of 1,566,778 alleles (0.18%); highest among the groups gnomAD compares: Non-Finnish European, 0.22%; 8 homozygotes.

Submissions (9):

CeGaT Center for Human Genetics Tuebingen
Classification: Likely benign. Last evaluated: 2026-09-01. Review status: criteria provided, single submitter. Criteria: CeGaT Center For Human Genetics Tuebingen Variant Classification Criteria Version 2. Collection method: clinical testing. Allele origin: germline. Affected: yes. Observed: 9 variant alleles.
Comment: KMT2D: BP4, BP7, BS1

Labcorp Genetics (formerly Invitae), Labcorp
Classification: Benign for Kabuki syndrome. Last evaluated: 2026-02-04. Review status: criteria provided, single submitter. Criteria: Invitae Variant Classification Sherloc (09022015). Collection method: clinical testing. Allele origin: germline.

ARUP Laboratories, Molecular Genetics and Genomics, ARUP Laboratories
Classification: Benign. Last evaluated: 2025-07-10. Review status: criteria provided, single submitter. Criteria: ARUP Molecular Germline Variant Investigation Process 2024. Collection method: clinical testing. Allele origin: germline.

Blueprint Genetics
Classification: Likely benign. Last evaluated: 2024-11-13. Review status: criteria provided, single submitter. Criteria: ACMG Guidelines, 2015. Collection method: clinical testing. Allele origin: germline.

GeneDx
Classification: Benign. Last evaluated: 2019-07-16. Review status: criteria provided, single submitter. Criteria: GeneDx Variant Classification Process June 2021. Collection method: clinical testing. Allele origin: germline. Affected: yes.

Genetic Services Laboratory, University of Chicago
Classification: Benign. Last evaluated: 2018-01-02. Review status: criteria provided, single submitter. Criteria: ACMG Guidelines, 2015. Collection method: clinical testing. Allele origin: germline. Affected: no.

Eurofins Ntd Llc (ga)
Classification: Likely benign. Last evaluated: 2016-02-03. Review status: criteria provided, single submitter. Criteria: EGL Classification Definitions 2015. Collection method: clinical testing. Allele origin: germline. Observed: 1 variant allele, 1 heterozygote.

Breakthrough Genomics
Classification: Likely benign. Review status: criteria provided, single submitter. Criteria: ACMG Guidelines, 2015. Collection method: not provided. Allele origin: germline. Inheritance: Autosomal dominant inheritance. Affected: yes.

PreventionGenetics, part of Exact Sciences
Classification: Likely benign for KMT2D-related condition. Last evaluated: 2024-03-21. Review status: no assertion criteria provided. Collection method: clinical testing. Allele origin: germline. Not counted in ClinVar's aggregate classification.
Comment: This variant is classified as likely benign based on ACMG/AMP sequence variant interpretation guidelines (Richards et al. 2015 PMID: 25741868, with internal and published modifications).

NM_003482.4(KMT2D):c.9726C>T (p.Ala3242=)

Gene: KMT2D (lysine methyltransferase 2D; minus strand). Cytogenetic location: 12q13.12.
Variant type: single nucleotide variant.
Coding change: c.9726C>T on transcript NM_003482.4 (MANE Select); coding-DNA position 9726, C replaced by T.
Protein change: p.Ala3242=; no amino-acid change (alanine 3242 retained).
Molecular consequence: synonymous variant.
Genome position (GRCh38, 1-based): chr12:49,037,630, G>A on the plus strand (C>T on the coding strand, the complement: KMT2D is on the minus strand). VCF-style: chr12-49037630-G-A. GRCh37 (hg19) VCF-style: chr12-49431413-G-A.
Identifiers: ClinVar variation 158793 (VCV000158793.52), dbSNP rs183688784, ClinGen allele CA172444.
Genomic context (GRCh38, chr12:49,037,630, plus strand): 5'-CTTCTGCAGCTCCTTCTTCTCATGCTCCAACAGGTCCTCAATGAGCAGGGGTAACTCGCT[G>A]GCTACCAGTGAGCTCTCCATCTTGTCTAGCTCATCCCCAGATGCTGCAGGTCCACCAGGC-3'
Protein context (NP_003473.3, residues 3232-3252): ELDKMESSLV[Ala3242=]SELPLLIEDL